The following is an entry in ClinVar:

NM_004260.4(RECQL4):c.854C>T (p.Pro285Leu)

Gene: RECQL4 (RecQ like helicase 4; minus strand). Cytogenetic location: 8q24.3.
Variant type: single nucleotide variant.
Coding change: c.854C>T on transcript NM_004260.4 (MANE Select); coding-DNA position 854, C replaced by T.
Protein change: p.Pro285Leu; replaces proline 285 with leucine.
Molecular consequence: missense variant. On other transcripts: 5 prime UTR variant (17), non-coding transcript variant (3).
Genome position (GRCh38, 1-based): chr8:144,516,265, G>A on the plus strand (C>T on the coding strand, the complement: RECQL4 is on the minus strand). VCF-style: chr8-144516265-G-A. GRCh37 (hg19) VCF-style: chr8-145741649-G-A.
Other names: c.854C>T, p.Pro285Leu (NM_001413017.1, NM_001413018.1, NM_001413019.1 and 4 more transcripts); c.-218C>T (NM_001413021.1, NM_001413022.1, NM_001413023.1 and 7 more transcripts); c.725C>T, p.Pro242Leu (NM_001413025.1); c.-280C>T (NM_001413027.1, NM_001413030.1, NM_001413031.1 and 2 more transcripts); c.503C>T, p.Pro168Leu (NM_001413029.1); c.-122C>T (NM_001413034.1); c.-487C>T (NM_001413043.1); short protein forms P242L, P285L, P168L.
Identifiers: ClinVar variation 4152431 (VCV004152431.2).
Genomic context (GRCh38, chr8:144,516,265, plus strand): 5'-GCCTGTACAGGTTCCCCTGGAGGGTCTTCCTCAACTGCTACAGCCCCAGCCCCCTCCGAT[G>A]GGGGTCCAGCTTGGCTGCTCTCCTGCTGGACCTGTGCGGGGCTCTCCCAGGGCTCCTCGT-3'
Protein context (NP_004251.4, residues 275-295): VQQESSQAGP[Pro285Leu]SEGAGAVAVE

ClinVar aggregate classification (germline): Conflicting classifications of pathogenicity. Review status: criteria provided, conflicting classifications (1 of 4 stars). 2 submissions from 2 submitters: Uncertain significance (1); Likely benign (1). Last evaluated 2025-08-25.

Conditions:
Inborn genetic diseases. Identifiers: MedGen C0950123, MeSH D030342.
Baller-Gerold syndrome (BGS). Also called: CRANIOSYNOSTOSIS WITH RADIAL DEFECTS. Identifiers: Orphanet 1225, MedGen C0265308, MONDO:0009039, OMIM 218600.

Submissions (2):

Ambry Genetics
Classification: Likely benign for Inborn genetic diseases. Last evaluated: 2025-08-25. Review status: criteria provided, single submitter. Criteria: Ambry Variant Classification Scheme 2023. Collection method: clinical testing. Allele origin: germline.

Labcorp Genetics (formerly Invitae), Labcorp
Classification: Uncertain significance for Baller-Gerold syndrome. Last evaluated: 2025-08-20. Review status: criteria provided, single submitter. Criteria: Invitae Variant Classification Sherloc (09022015). Collection method: clinical testing. Allele origin: germline.
Comment: This sequence change replaces proline, which is neutral and non-polar, with leucine, which is neutral and non-polar, at codon 285 of the RECQL4 protein (p.Pro285Leu). This variant is not present in population databases (gnomAD no frequency). This variant has not been reported in the literature in individuals affected with RECQL4-related conditions. Invitae Evidence Modeling of protein sequence and biophysical properties (such as structural, functional, and spatial information, amino acid conservation, physicochemical variation, residue mobility, and thermodynamic stability) indicates that this missense variant is not expected to disrupt RECQL4 protein function with a negative predictive value of 80%. In summary, the available evidence is currently insufficient to determine the role of this variant in disease. Therefore, it has been classified as a Variant of Uncertain Significance.